The following is an entry in ClinVar:

NM_015295.3(SMCHD1):c.4598T>C (p.Leu1533Ser)

Gene: SMCHD1 (structural maintenance of chromosomes flexible hinge domain containing 1; plus strand). Cytogenetic location: 18p11.32.
Variant type: single nucleotide variant.
Coding change: c.4598T>C on transcript NM_015295.3 (MANE Select); coding-DNA position 4598, T replaced by C.
Protein change: p.Leu1533Ser; replaces leucine 1533 with serine.
Molecular consequence: missense variant.
Genome position (GRCh38, 1-based): chr18:2,763,668, T>C. VCF-style: chr18-2763668-T-C. GRCh37 (hg19) VCF-style: chr18-2763666-T-C.
Other names: short protein forms L1533S.
Identifiers: ClinVar variation 289129 (VCV000289129.12), dbSNP rs368255259, ClinGen allele CA8871530.

ClinVar aggregate classification (germline): Uncertain significance. Review status: criteria provided, multiple submitters, no conflicts (2 of 4 stars). 2 submissions from 2 submitters: Uncertain significance (2). Last evaluated 2025-12-15.

Conditions:
Facioscapulohumeral muscular dystrophy 2 (FSHD2). Also called: FACIOSCAPULOHUMERAL MUSCULAR DYSTROPHY 2, DIGENIC; FSHD2, DIGENIC; MUSCULAR DYSTROPHY, FACIOSCAPULOHUMERAL, TYPE 1B. Identifiers: Orphanet 269, MedGen C1834671, MONDO:0008031, OMIM 158901.

Allele frequency attached by ClinVar (database versions not stated): gnomAD exomes 0.00002 and 0.00003; TOPMed 0.00002; ExAC 0.00005; ESP Exome Variant Server 0.00008.
gnomAD v4.1: 43 of 1,581,920 alleles (0.0027%); highest among the groups gnomAD compares: Non-Finnish European, 0.0036%; no homozygotes.

Submissions (2):

Labcorp Genetics (formerly Invitae), Labcorp
Classification: Uncertain significance for Facioscapulohumeral muscular dystrophy 2. Last evaluated: 2025-12-15. Review status: criteria provided, single submitter. Criteria: Invitae Variant Classification Sherloc (09022015). Collection method: clinical testing. Allele origin: germline.
Comment: This sequence change replaces leucine, which is neutral and non-polar, with serine, which is neutral and polar, at codon 1533 of the SMCHD1 protein (p.Leu1533Ser). This variant is present in population databases (rs368255259, gnomAD 0.005%). This variant has not been reported in the literature in individuals affected with SMCHD1-related conditions. ClinVar contains an entry for this variant (Variation ID: 289129). Invitae Evidence Modeling of protein sequence and biophysical properties (such as structural, functional, and spatial information, amino acid conservation, physicochemical variation, residue mobility, and thermodynamic stability) has been performed for this missense variant. However, the output from this modeling did not meet the statistical confidence thresholds required to predict the impact of this variant on SMCHD1 protein function. In summary, the available evidence is currently insufficient to determine the role of this variant in disease. Therefore, it has been classified as a Variant of Uncertain Significance.

Eurofins Ntd Llc (ga)
Classification: Uncertain significance. Last evaluated: 2016-06-30. Review status: criteria provided, single submitter. Criteria: EGL Classification Definitions 2015. Collection method: clinical testing. Allele origin: germline. Observed: 1 variant allele, 1 heterozygote.